The following is an entry in ClinVar:

NM_000369.5(TSHR):c.1631G>A (p.Gly544Glu)

Genes: TSHR (thyroid stimulating hormone receptor; plus strand), TSHR-AS1 (TSHR antisense RNA 1; minus strand). Cytogenetic location: 14q31.1.
Variant type: single nucleotide variant.
Coding change: c.1631G>A on transcript NM_000369.5 (MANE Select); coding-DNA position 1631, G replaced by A.
Protein change: p.Gly544Glu; replaces glycine 544 with glutamic acid.
Molecular consequence: missense variant.
Genome position (GRCh38, 1-based): chr14:81,143,689, G>A. VCF-style: chr14-81143689-G-A. GRCh37 (hg19) VCF-style: chr14-81610033-G-A.
Other names: short protein forms G544E.
Identifiers: ClinVar variation 3572469 (VCV003572469.1).

ClinVar aggregate classification (germline): Uncertain significance (1 of 4 stars; one submission).

gnomAD v4.1: 6 of 1,614,054 alleles (0.00037%); highest among the groups gnomAD compares: East Asian, 0.0022%; no homozygotes.

Submission:

GeneDx
Classification: Uncertain significance. Last evaluated: 2024-07-11. Review status: criteria provided, single submitter. Criteria: GeneDx Variant Classification Process June 2021. Collection method: clinical testing. Allele origin: germline. Affected: yes.
Comment: Not observed at significant frequency in large population cohorts (gnomAD); In silico analysis supports that this missense variant has a deleterious effect on protein structure/function; Identified in an individual with congenital hypothyroidism (PMID: 27637299); This variant is associated with the following publications: (PMID: 27637299)